The following is an entry in ClinVar:

ClinVar aggregate classification (germline): Pathogenic (1 of 4 stars; one submission).

Conditions:
Breast-ovarian cancer, familial, susceptibility to, 1 (BROVCA1). Also called: BRCA1 Hereditary Breast and Ovarian Cancer; OVARIAN CANCER, SUSCEPTIBILITY TO. Identifiers: Orphanet 145, MedGen C2676676, MONDO:0011450, OMIM 604370. Disease mechanism: loss of function.

Submission:

Myriad Genetics, Inc.
Classification: Pathogenic for Breast-ovarian cancer, familial, susceptibility to, 1. Last evaluated: 2023-01-06. Review status: criteria provided, single submitter. Criteria: Myriad Autosomal Dominant, Autosomal Recessive and X-Linked Classification Criteria (2023). Collection method: clinical testing. Allele origin: unknown.
Comment: This variant is considered pathogenic. This variant creates a frameshift predicted to result in premature protein truncation.

NM_007294.4(BRCA1):c.4470_4473del (p.Pro1491fs)

Gene: BRCA1 (BRCA1 DNA repair associated; minus strand). Cytogenetic location: 17q21.31.
Variant type: Deletion.
Coding change: c.4470_4473del on transcript NM_007294.4 (MANE Select); coding-DNA positions 4470 to 4473, 4 bases deleted (ACCA; older notation c.4470_4473delACCA).
Protein change: p.Pro1491fs; shifts the reading frame from proline 1491.
Molecular consequence: frameshift variant. On other transcripts: non-coding transcript variant (1).
Genome position (GRCh38, 1-based): chr17:43,076,499-43,076,502, TGGT deleted on the plus strand (ACCA on the coding strand, the reverse complement: BRCA1 is on the minus strand); deleting any 4 consecutive bases within chr17:43,076,499-43,076,503 gives the same sequence; the c. name uses the placement nearest the transcript's 3' end. VCF-style (leftmost placement, unchanged base first): chr17-43076498-CTGGT-C. GRCh37 (hg19) VCF-style: chr17-41228515-CTGGT-C.
Other names: c.4256_4259delAACC, p.Pro1420Glufs (NM_001407571.1, NM_001407894.1, NM_001407895.1 and 12 more transcripts); c.4535_4538delAACC, p.Pro1513Glufs (NM_001407581.1, NM_001407582.1); c.4532_4535delAACC, p.Pro1512Glufs (NM_001407583.1, NM_001407585.1, NM_001407587.1); c.4529_4532delAACC, p.Pro1511Glufs (NM_001407590.1, NM_001407591.1); c.4469_4472delAACC, p.Pro1491Glufs (NM_001407593.1, NM_001407594.1, NM_001407596.1 and 8 more transcripts); c.4466_4469delAACC, p.Pro1490Glufs (NM_001407610.1, NM_001407611.1, NM_001407612.1 and 17 more transcripts); c.4463_4466delAACC, p.Pro1489Glufs (NM_001407627.1, NM_001407628.1, NM_001407629.1 and 14 more transcripts); c.4460_4463delAACC, p.Pro1488Glufs (NM_001407644.1, NM_001407645.1); and 71 more; short protein forms P1444fs, P1491fs, P1512fs, P387fs.
Identifiers: ClinVar variation 2431294 (VCV002431294.1), dbSNP rs2551625320, ClinGen allele CA2580094428.